The following is an entry in ClinVar:

NM_020778.5(ALPK3):c.4343G>A (p.Ser1448Asn)

Gene: ALPK3 (alpha kinase 3; plus strand). Cytogenetic location: 15q25.3.
Variant type: single nucleotide variant.
Coding change: c.4343G>A on transcript NM_020778.5 (MANE Select); coding-DNA position 4343, G replaced by A.
Protein change: p.Ser1448Asn; replaces serine 1448 with asparagine.
Molecular consequence: missense variant.
Genome position (GRCh38, 1-based): chr15:84,862,848, G>A. VCF-style: chr15-84862848-G-A. GRCh37 (hg19) VCF-style: chr15-85406079-G-A.
Other names: short protein forms S1448N.
Identifiers: ClinVar variation 2693454 (VCV002693454.3), dbSNP rs1360903008, ClinGen allele CA393363284.
Genomic context (GRCh38, chr15:84,862,848, plus strand): 5'-TCATCTACGGGCTGGAACCCATCTTCGAGTCGGGCCGCACGTGCATCATCAAGGTGTCCA[G>A]CCTGCTTGTGTTTGGGCCCAGCAGTGAGACTTCTCTTGTGGGCAGAAACTACGACGTCAC-3'
Protein context (NP_065829.4, residues 1438-1458): SGRTCIIKVS[Ser1448Asn]LLVFGPSSET

ClinVar aggregate classification (germline): Uncertain significance (1 of 4 stars; one submission).

Allele frequency attached by ClinVar (database versions not stated): TOPMed 0.00001.

Submission:

Labcorp Genetics (formerly Invitae), Labcorp
Classification: Uncertain significance. Last evaluated: 2023-11-05. Review status: criteria provided, single submitter. Criteria: Invitae Variant Classification Sherloc (09022015). Collection method: clinical testing. Allele origin: germline.
Comment: This sequence change replaces serine, which is neutral and polar, with asparagine, which is neutral and polar, at codon 1650 of the ALPK3 protein (p.Ser1650Asn). This variant is not present in population databases (gnomAD no frequency). This variant has not been reported in the literature in individuals affected with ALPK3-related conditions. Algorithms developed to predict the effect of missense changes on protein structure and function output the following: SIFT: "Not Available"; PolyPhen-2: "Possibly Damaging"; Align-GVGD: "Not Available". The asparagine amino acid residue is found in multiple mammalian species, which suggests that this missense change does not adversely affect protein function. In summary, the available evidence is currently insufficient to determine the role of this variant in disease. Therefore, it has been classified as a Variant of Uncertain Significance.